The following is an entry in ClinVar:

ClinVar aggregate classification (germline): Uncertain significance (1 of 4 stars; one submission).

Conditions:
PUM1-related disorder. Also called: PUM1-related condition; PUM1-related disorders.

Allele frequency attached by ClinVar (database versions not stated): gnomAD exomes below 0.00001; TOPMed 0.00002.
gnomAD v4.1: 3 of 1,613,890 alleles (0.00019%); highest among the groups gnomAD compares: Admixed American, 0.0033%; no homozygotes.

Submission:

PreventionGenetics, part of Exact Sciences
Classification: Uncertain significance for PUM1-related condition. Last evaluated: 2023-09-07. Review status: criteria provided, single submitter. Criteria: ACMG Guidelines, 2015. Collection method: clinical testing. Allele origin: germline.
Comment: The PUM1 c.3301G>A variant is predicted to result in the amino acid substitution p.Asp1101Asn. To our knowledge, this variant has not been reported in the literature. This variant is reported in 0.0058% of alleles in individuals of Latino descent in gnomAD. At this time, the clinical significance of this variant is uncertain due to the absence of conclusive functional and genetic evidence.

NM_001020658.2(PUM1):c.3301G>A (p.Asp1101Asn)

Gene: PUM1 (pumilio RNA binding family member 1; minus strand). Cytogenetic location: 1p35.2.
Variant type: single nucleotide variant.
Coding change: c.3301G>A on transcript NM_001020658.2 (MANE Select); coding-DNA position 3301, G replaced by A.
Protein change: p.Asp1101Asn; replaces aspartic acid 1101 with asparagine.
Molecular consequence: missense variant.
Genome position (GRCh38, 1-based): chr1:30,936,777, C>T on the plus strand (G>A on the coding strand, the complement: PUM1 is on the minus strand). VCF-style: chr1-30936777-C-T. GRCh37 (hg19) VCF-style: chr1-31409624-C-T.
Other names: c.3295G>A, p.Asp1099Asn (NM_014676.3); short protein forms D1099N, D1101N.
Identifiers: ClinVar variation 2631382 (VCV002631382.1), dbSNP rs1335543720, ClinGen allele CA339560595.
Genomic context (GRCh38, chr1:30,936,777, plus strand): 5'-GGTCCTTCATCATGGTGTATAAGGCACTGTGGGGACCGTCGTTCATGGTGCACACCTCAT[C>T]GATGAGCACAGCGCGCTCCGTACGTGAGGCGTGAGTAACACACTTCTCCACAACATTGCT-3'
Protein context (NP_001018494.1, residues 1091-1111): ASRTERAVLI[Asp1101Asn]EVCTMNDGPH